The following is an entry in ClinVar:

NC_000023.11:g.(?_18506933)_(18653564_?)del

Genes: CDKL5 (cyclin dependent kinase like 5; plus strand), RS1 (retinoschisin 1; minus strand). Cytogenetic location: Xp22.13.
Variant type: Deletion.
Identifiers: ClinVar variation 662287 (VCV000662287.2).

ClinVar aggregate classification (germline): Pathogenic (1 of 4 stars; one submission).

Conditions:
Angelman syndrome-like. Identifiers: MedGen CN128785.
Developmental and epileptic encephalopathy, 2 (DEE2). Also called: INFANTILE SPASM SYNDROME, X-LINKED 2; CDKL5 deficiency disorder. Identifiers: Orphanet 1934, Orphanet 3451, Orphanet 505652, MedGen C4750718, MONDO:0010396, OMIM 300672.

Submission:

Labcorp Genetics (formerly Invitae), Labcorp
Classification: Pathogenic for Developmental and epileptic encephalopathy, 2; Angelman syndrome-like. Last evaluated: 2019-08-05. Review status: criteria provided, single submitter. Criteria: Invitae Variant Classification Sherloc (09022015). Collection method: clinical testing. Allele origin: germline.
Comment: A gross deletion of the genomic region encompassing the full coding sequence of the CDKL5 gene has been identified. The boundaries of this event are unknown as the deletion extends beyond the assayed region for this gene and therefore may encompass additional genes. Isolated whole-gene deletions of CDKL5 have not been reported in the literature. However, larger copy number events that include this gene have been reported (PMID: 19780792, 23184456, 21770923, 20493745, 23828526). Loss-of-function variants in CDKL5 are known to be pathogenic (PMID: 22872100). For these reasons, this variant has been classified as Pathogenic.

Literature cited by the submitters: PubMed 21770923; PubMed 23184456; PubMed 19780792; PubMed 20493745; PubMed 23828526.